The following is an entry in ClinVar:

ClinVar aggregate classification (germline): Likely benign. Review status: criteria provided, single submitter (1 of 4 stars). 2 submissions from 2 submitters: Likely benign (1). 1 of the submissions does not count toward it. Last evaluated 2025-05-07.

Conditions:
AHDC1-related disorder. Also called: AHDC1-related condition.

Allele frequency attached by ClinVar (database versions not stated): ExAC 0.00001; gnomAD 0.00005; TOPMed 0.00007.
gnomAD v4.1: 17 of 1,613,584 alleles (0.0011%); highest among the groups gnomAD compares: African/African-American, 0.021%; no homozygotes.

Submissions (2):

Labcorp Genetics (formerly Invitae), Labcorp
Classification: Likely benign. Last evaluated: 2025-05-07. Review status: criteria provided, single submitter. Criteria: Invitae Variant Classification Sherloc (09022015). Collection method: clinical testing. Allele origin: germline.

PreventionGenetics, part of Exact Sciences
Classification: Likely benign for AHDC1-related condition. Last evaluated: 2022-02-15. Review status: no assertion criteria provided. Collection method: clinical testing. Allele origin: germline. Not counted in ClinVar's aggregate classification.
Comment: This variant is classified as likely benign based on ACMG/AMP sequence variant interpretation guidelines (Richards et al. 2015 PMID: 25741868, with internal and published modifications).

NM_001371928.1(AHDC1):c.750C>T (p.Ser250=)

Gene: AHDC1 (AT-hook DNA binding motif containing 1; minus strand). Cytogenetic location: 1p36.11.
Variant type: single nucleotide variant.
Coding change: c.750C>T on transcript NM_001371928.1 (MANE Select); coding-DNA position 750, C replaced by T.
Protein change: p.Ser250=; no amino-acid change (serine 250 retained).
Molecular consequence: synonymous variant.
Genome position (GRCh38, 1-based): chr1:27,551,366, G>A on the plus strand (C>T on the coding strand, the complement: AHDC1 is on the minus strand). VCF-style: chr1-27551366-G-A. GRCh37 (hg19) VCF-style: chr1-27877877-G-A.
Other names: c.750C>T, p.Ser250= (NM_001029882.3).
Identifiers: ClinVar variation 1896774 (VCV001896774.7), dbSNP rs746717563, ClinGen allele CA716089.